The following is an entry in ClinVar:

ClinVar aggregate classification (germline): Conflicting classifications of pathogenicity. Review status: criteria provided, conflicting classifications (1 of 4 stars). 6 submissions from 1 submitter: Uncertain significance (1); Benign (5). Last evaluated 2018-01-13.

Conditions:
Anophthalmia-microphthalmia syndrome. Also called: Anophthalmia/Microphthalmia; Anophthalmia - microphthalmia. Identifiers: Orphanet 98555, MedGen C5680330, MONDO:0020147.
Autosomal dominant keratitis. Also called: Keratitis, hereditary. Identifiers: Orphanet 2334, MedGen C1835698, MONDO:0007848, OMIM 148190.
Foveal hypoplasia 1. Also called: FOVEAL HYPOPLASIA 1 WITH OR WITHOUT ANTERIOR SEGMENT ANOMALIES AND/OR CATARACT; FOVEAL HYPOPLASIA 1 WITH ANTERIOR SEGMENT ANOMALIES. Identifiers: Orphanet 2253, MedGen C3805604, MONDO:0007628, OMIM 136520.
11p partial monosomy syndrome (WAGR). Also called: WAGR Spectrum Disorder; WAGR syndrome; WAGR Complex; CHROMOSOME 11p13 DELETION SYNDROME. Identifiers: Orphanet 893, MedGen C0206115, MONDO:0008681, OMIM 194072.
Aniridia 1 (AN1). Identifiers: Orphanet 250923, MedGen C0344542, MONDO:0024507, OMIM 106210.
carboxymethyl-dextran-A2-gadolinium-DOTA.

Allele frequency attached by ClinVar (database versions not stated): gnomAD 0.00004 and 0.00002; 1000 Genomes Project 0.00040; 1000 Genomes Project 30x 0.00047; TOPMed 0.00003.
gnomAD v4.1: 6 of 183,500 alleles (0.0033%); highest among the groups gnomAD compares: East Asian, 0.053%; no homozygotes.

Submissions (6):

Illumina Laboratory Services, Illumina
Classification: Benign for carboxymethyl-dextran-A2-gadolinium-DOTA. Last evaluated: 2018-01-13. Review status: criteria provided, single submitter. Criteria: ICSL Variant Classification Criteria 13 December 2019. Collection method: clinical testing. Allele origin: germline.
Comment: This variant was observed in the ICSL laboratory as part of a predisposition screen in an ostensibly healthy population. It had not been previously curated by ICSL or reported in the Human Gene Mutation Database (HGMD: prior to June 1st, 2018), and was therefore a candidate for classification through an automated scoring system. Utilizing variant allele frequency, disease prevalence and penetrance estimates, and inheritance mode, an automated score was calculated to assess if this variant is too frequent to cause the disease. Based on the score and internal cut-off values, a variant classified as benign is not then subjected to further curation. The score for this variant resulted in a classification of benign for this disease.

Illumina Laboratory Services, Illumina
Classification: Benign for Foveal hypoplasia 1. Last evaluated: 2018-01-13. Review status: criteria provided, single submitter. Criteria: ICSL Variant Classification Criteria 13 December 2019. Collection method: clinical testing. Allele origin: germline.
Comment: the same text as in the submission from Illumina Laboratory Services, Illumina above.

Illumina Laboratory Services, Illumina
Classification: Benign for Wilms tumor, aniridia, genitourinary anomalies, and mental retardation syndrome. Last evaluated: 2018-01-13. Review status: criteria provided, single submitter. Criteria: ICSL Variant Classification Criteria 13 December 2019. Collection method: clinical testing. Allele origin: germline.
Comment: the same text as in the submission from Illumina Laboratory Services, Illumina above.

Illumina Laboratory Services, Illumina
Classification: Benign for Aniridia 1. Last evaluated: 2018-01-13. Review status: criteria provided, single submitter. Criteria: ICSL Variant Classification Criteria 13 December 2019. Collection method: clinical testing. Allele origin: germline.
Comment: the same text as in the submission from Illumina Laboratory Services, Illumina above.

Illumina Laboratory Services, Illumina
Classification: Uncertain significance for Anophthalmia-microphthalmia syndrome. Last evaluated: 2018-01-13. Review status: criteria provided, single submitter. Criteria: ICSL Variant Classification Criteria 13 December 2019. Collection method: clinical testing. Allele origin: germline.

Illumina Laboratory Services, Illumina
Classification: Benign for Autosomal dominant keratitis. Last evaluated: 2018-01-13. Review status: criteria provided, single submitter. Criteria: ICSL Variant Classification Criteria 13 December 2019. Collection method: clinical testing. Allele origin: germline.
Comment: the same text as in the submission from Illumina Laboratory Services, Illumina above.

NM_000280.4(PAX6):c.*4696G>C

Genes: ELP4 (elongator acetyltransferase complex subunit 4; plus strand), PAX6 (paired box 6; minus strand). Cytogenetic location: 11p13.
Variant type: single nucleotide variant.
Coding change: c.*4696G>C on transcript NM_000280.4; 4696 bases downstream of the stop codon, G replaced by C.
Molecular consequence: 3 prime UTR variant (on NM_019040.5).
Genome position (GRCh38, 1-based): chr11:31,785,238, C>G on the plus strand (G>C on the coding strand, the complement: PAX6 is on the minus strand). VCF-style: chr11-31785238-C-G. GRCh37 (hg19) VCF-style: chr11-31806786-C-G.
Other names: c.*1700C>G (NM_001288725.2); c.*1809C>G (NM_001288726.2); c.*1714C>G (NM_019040.5).
Identifiers: ClinVar variation 304291 (VCV000304291.8), dbSNP rs180780893, ClinGen allele CA10634545.